The following is an entry in ClinVar:

ClinVar aggregate classification (germline): Conflicting classifications of pathogenicity. Review status: criteria provided, conflicting classifications (1 of 4 stars). 7 submissions from 7 submitters: Uncertain significance (6); Likely benign (1). Last evaluated 2026-09-14.

Conditions:
DSP-related disorder. Also called: DSP-related disorders; DSP-related condition.
Cardiomyopathy (CMYO). Also called: Cardiomyopathies. Identifiers: Orphanet 167848, MedGen C0878544, MONDO:0004994, HP:0001638. Inheritance: Various modes of inheritance.
Arrhythmogenic right ventricular dysplasia 8 (ARVD8). Also called: Arrhythmogenic Right Ventricular Dysplasia/Cardiomyopathy 8; ARRHYTHMOGENIC RIGHT VENTRICULAR DYSPLASIA, FAMILIAL, 8; ARRHYTHMOGENIC RIGHT VENTRICULAR CARDIOMYOPATHY 8. Identifiers: MedGen C1843896, MONDO:0011831, OMIM 607450.
Arrhythmogenic cardiomyopathy with wooly hair and keratoderma. Also called: Arrhythmogenic cardiomyopathy with woolly hair and keratoderma; PALMOPLANTAR KERATODERMA WITH LEFT VENTRICULAR CARDIOMYOPATHY AND WOOLLY HAIR; Carvajal syndrome; Dilated cardiomyopathy with woolly hair and keratoderma. Identifiers: Orphanet 65282, MedGen C1854063, MONDO:0011581, OMIM 605676.
Cardiovascular phenotype. Identifiers: MedGen CN230736.
Woolly hair-skin fragility syndrome (WHSF). Identifiers: Orphanet 293165, MedGen C1843292, MONDO:0957307, OMIM 620415.
Keratosis palmoplantaris striata 2. Also called: Keratosis palmoplantaris striata II; KERATODERMA, PALMOPLANTAR, STRIATE FORM II; STRIATE PALMOPLANTAR KERATODERMA II. Identifiers: MedGen C1852127, MONDO:0013034, OMIM 612908.
Cardiomyopathy, dilated, with wooly hair, keratoderma, and tooth agenesis. Also called: Cardiomyopathy, dilated, with woolly hair, keratoderma, and tooth agenesis; Erythrokeratodermia-cardiomyopathy syndrome. Identifiers: Orphanet 476096, Orphanet 65282, MedGen C4014393, MONDO:0014355, OMIM 615821.
Lethal acantholytic epidermolysis bullosa (EBLA). Identifiers: Orphanet 158687, MedGen C1864826, MONDO:0012323, OMIM 609638.

Allele frequency attached by ClinVar (database versions not stated): ExAC 0.00001; gnomAD 0.00001; gnomAD exomes 0.00001 and 0.00002; TOPMed 0.00001; ESP Exome Variant Server 0.00008.

Submissions (7):

Ambry Genetics
Classification: Uncertain significance for Cardiovascular phenotype. Last evaluated: 2026-09-14. Review status: criteria provided, single submitter. Criteria: Ambry Variant Classification Scheme 2023. Collection method: clinical testing. Allele origin: germline.
Comment: The p.R808H variant (also known as c.2423G>A), located in coding exon 17 of the DSP gene, results from a G to A substitution at nucleotide position 2423. The arginine at codon 808 is replaced by histidine, an amino acid with highly similar properties. This variant was reported in an exome cohort (Haggerty CM et al. Genet Med, 2017 Nov;19:1245-1252). This amino acid position is highly conserved in available vertebrate species. In addition, the in silico prediction for this alteration is inconclusive. Based on the available evidence, the clinical significance of this variant remains unclear.

Labcorp Genetics (formerly Invitae), Labcorp
Classification: Likely benign for Arrhythmogenic cardiomyopathy with wooly hair and keratoderma; Arrhythmogenic right ventricular dysplasia 8. Last evaluated: 2025-10-17. Review status: criteria provided, single submitter. Criteria: Invitae Variant Classification Sherloc (09022015). Collection method: clinical testing. Allele origin: germline.

PreventionGenetics, part of Exact Sciences
Classification: Uncertain significance for DSP-related condition. Last evaluated: 2025-07-30. Review status: criteria provided, single submitter. Criteria: ACMG Guidelines, 2015. Collection method: clinical testing. Allele origin: germline.
Comment: The DSP c.2423G>A variant is predicted to result in the amino acid substitution p.Arg808His. This variant has been reported in individuals with arrhythmogenic cardiomyopathy (ARVC) (Haggerty et al. 2017. PubMed ID: 28471438) and was identified in an individual with a cerebral autosomal dominant arteriopathy with subcortical infarcts and leukoencephalopathy (CADASIL)-like phenotype (Dunn et al. 2023. PubMed ID: 37422595). However, the variant has also been observed in large sequencing cohorts in multiple individuals (Andreasen. 2013. PubMed ID: 23299917; Supplemental Tables, Ye et al. 2019. PubMed ID: 31402444). This variant is reported in 0.0033% of alleles in individuals of South Asian descent in gnomAD and has conflicting classifications in ClinVar ranging from likely benign to uncertain (ClinVar ID: 626487). At this time, the clinical significance of this variant is uncertain due to the absence of conclusive functional and genetic evidence.

Color Diagnostics, LLC DBA Color Health
Classification: Uncertain significance for Cardiomyopathy. Last evaluated: 2025-06-12. Review status: criteria provided, single submitter. Criteria: ACMG Guidelines, 2015. Collection method: clinical testing. Allele origin: germline.
Comment: This missense variant replaces arginine with histidine at codon 808 of the DSP protein. Computational prediction suggests that this variant may have deleterious impact on protein structure and function. To our knowledge, functional studies have not been reported for this variant. This variant has not been reported in individuals affected with cardiovascular disorders in the literature. This variant has been identified in 3/251440 chromosomes in the general population by the Genome Aggregation Database (gnomAD). The available evidence is insufficient to determine the role of this variant in disease conclusively. Therefore, this variant is classified as a Variant of Uncertain Significance.

Fulgent Genetics
Classification: Uncertain significance for Arrhythmogenic cardiomyopathy with wooly hair and keratoderma; Arrhythmogenic right ventricular dysplasia 8; Lethal acantholytic epidermolysis bullosa; Keratosis palmoplantaris striata 2; Cardiomyopathy, dilated, with wooly hair, keratoderma, and tooth agenesis. Last evaluated: 2021-09-12. Review status: criteria provided, single submitter. Criteria: ACMG Guidelines, 2015. Collection method: clinical testing. Allele origin: unknown.

GeneDx
Classification: Uncertain significance. Last evaluated: 2019-03-28. Review status: criteria provided, single submitter. Criteria: GeneDx Variant Classification Process June 2021. Collection method: clinical testing. Allele origin: germline. Affected: yes.
Comment: Not observed at a significant frequency in large population cohorts (Lek et al., 2016); In silico analysis, which includes protein predictors and evolutionary conservation, supports a deleterious effect; Has not been previously published as pathogenic or benign to our knowledge; This variant is associated with the following publications: (PMID: 25225338, 31402444)

CHEO Genetics Diagnostic Laboratory, Children's Hospital of Eastern Ontario
Classification: Uncertain significance for Cardiomyopathy. Last evaluated: 2015-08-17. Review status: criteria provided, single submitter. Criteria: ACMG Guidelines, 2015. Collection method: clinical testing. Allele origin: germline. Study: Canadian Open Genetics Repository.

Literature cited by the submitters: PubMed 28471438 (cited by Ambry Genetics).

NM_004415.4(DSP):c.2423G>A (p.Arg808His)

Gene: DSP (desmoplakin; plus strand). Cytogenetic location: 6p24.3.
Variant type: single nucleotide variant.
Coding change: c.2423G>A on transcript NM_004415.4 (MANE Select); coding-DNA position 2423, G replaced by A.
Protein change: p.Arg808His; replaces arginine 808 with histidine.
Molecular consequence: missense variant.
Genome position (GRCh38, 1-based): chr6:7,574,782, G>A. VCF-style: chr6-7574782-G-A. GRCh37 (hg19) VCF-style: chr6-7575015-G-A.
Other names: c.2423G>A (LRG_423t1, NM_004415.3); c.2423G>A, p.Arg808His (NM_001008844.3, NM_001319034.2); short protein forms R808H.
Identifiers: ClinVar variation 626487 (VCV000626487.21), dbSNP rs372906646, ClinGen allele CA033170.